The following is an entry in ClinVar:

NM_003482.4(KMT2D):c.7190C>T (p.Ala2397Val)

Gene: KMT2D (lysine methyltransferase 2D; minus strand). Cytogenetic location: 12q13.12.
Variant type: single nucleotide variant.
Coding change: c.7190C>T on transcript NM_003482.4 (MANE Select); coding-DNA position 7190, C replaced by T.
Protein change: p.Ala2397Val; replaces alanine 2397 with valine.
Molecular consequence: missense variant.
Genome position (GRCh38, 1-based): chr12:49,040,580, G>A on the plus strand (C>T on the coding strand, the complement: KMT2D is on the minus strand). VCF-style: chr12-49040580-G-A. GRCh37 (hg19) VCF-style: chr12-49434363-G-A.
Other names: short protein forms A2397V.
Identifiers: ClinVar variation 2092313 (VCV002092313.4), dbSNP rs2120531023, ClinGen allele CA384748194.
Genomic context (GRCh38, chr12:49,040,580, plus strand): 5'-GACTGAGGACTGGCAGGCACTCGGGAGAAAGGGTCGGAGGGCAGTGAGCGAGGGGGCAGA[G>A]CACAGCAGCTCTCAGGGGGCGGAGGTTGGGGCCGAGGAGTCAATGGGGGCTGAGCATATG-3'
Protein context (NP_003473.3, residues 2387-2407): PQPPPPESCC[Ala2397Val]LPPRSLPSDP

ClinVar aggregate classification (germline): Uncertain significance (1 of 4 stars; one submission).

Conditions:
Kabuki syndrome. Also called: Kabuki make-up syndrome; NIIKAWA-KUROKI SYNDROME. Identifiers: Orphanet 2322, MedGen C0796004, MONDO:0016512.

Allele frequency attached by ClinVar (database versions not stated): gnomAD exomes below 0.00001.
gnomAD v4.1: 1 of 1,613,434 alleles (0.000062%); highest among the groups gnomAD compares: South Asian, 0.0011%; no homozygotes.

Submission:

Labcorp Genetics (formerly Invitae), Labcorp
Classification: Uncertain significance for Kabuki syndrome. Last evaluated: 2023-10-13. Review status: criteria provided, single submitter. Criteria: Invitae Variant Classification Sherloc (09022015). Collection method: clinical testing. Allele origin: germline.
Comment: This sequence change replaces alanine, which is neutral and non-polar, with valine, which is neutral and non-polar, at codon 2397 of the KMT2D protein (p.Ala2397Val). This variant is not present in population databases (gnomAD no frequency). This variant has not been reported in the literature in individuals affected with KMT2D-related conditions. ClinVar contains an entry for this variant (Variation ID: 2092313). Advanced modeling of protein sequence and biophysical properties (such as structural, functional, and spatial information, amino acid conservation, physicochemical variation, residue mobility, and thermodynamic stability) performed at Invitae indicates that this missense variant is not expected to disrupt KMT2D protein function. In summary, the available evidence is currently insufficient to determine the role of this variant in disease. Therefore, it has been classified as a Variant of Uncertain Significance.